The following is an entry in ClinVar:

NM_001369268.1(ACAN):c.7448-12T>C

Gene: ACAN (aggrecan; plus strand). Cytogenetic location: 15q26.1.
Variant type: single nucleotide variant.
Coding change: c.7448-12T>C on transcript NM_001369268.1 (MANE Select); 12 bases into the intron before coding-DNA position 7448, T replaced by C.
Molecular consequence: intron variant.
Genome position (GRCh38, 1-based): chr15:88,873,830, T>C. VCF-style: chr15-88873830-T-C. GRCh37 (hg19) VCF-style: chr15-89417061-T-C.
Other names: c.7334-12T>C (NM_013227.4, NM_001411097.1); c.7220-12T>C (NM_001411096.1); c.7220-575T>C (NM_001135.4).
Identifiers: ClinVar variation 2987140 (VCV002987140.3), dbSNP rs576378818, ClinGen allele CA7720691.
Genomic context (GRCh38, chr15:88,873,830, plus strand): 5'-TCGGGTCACAACCAGCATAGGTCATCCCAGGAGACCCTATGAGACCCTTTATAAAGGGTG[T>C]TTGCCCCTCAGTGGCCTGCGGAGAGCCCCCTGTGGTGGAGCATGCCAGGACCTTCGGGCA-3'

ClinVar aggregate classification (germline): Uncertain significance (1 of 4 stars; one submission).

Allele frequency attached by ClinVar (database versions not stated): gnomAD exomes below 0.00001; gnomAD 0.00001; ExAC 0.00002; TOPMed 0.00002; 1000 Genomes Project 30x 0.00016; 1000 Genomes Project 0.00020.
gnomAD v4.1: 6 of 1,613,176 alleles (0.00037%); highest among the groups gnomAD compares: African/African-American, 0.0067%; no homozygotes.

Submission:

Labcorp Genetics (formerly Invitae), Labcorp
Classification: Uncertain significance. Last evaluated: 2023-12-10. Review status: criteria provided, single submitter. Criteria: Invitae Variant Classification Sherloc (09022015). Collection method: clinical testing. Allele origin: germline.
Comment: This sequence change falls in intron 16 of the ACAN gene. It does not directly change the encoded amino acid sequence of the ACAN protein. This variant is present in population databases (rs576378818, gnomAD 0.01%). This variant has not been reported in the literature in individuals affected with ACAN-related conditions. Algorithms developed to predict the effect of sequence changes on RNA splicing suggest that this variant may disrupt the consensus splice site. In summary, the available evidence is currently insufficient to determine the role of this variant in disease. Therefore, it has been classified as a Variant of Uncertain Significance.